The following is an entry in ClinVar:

NM_206933.4(USH2A):c.458G>A (p.Trp153Ter)

Gene: USH2A (usherin; minus strand). Cytogenetic location: 1q41.
Variant type: single nucleotide variant.
Coding change: c.458G>A on transcript NM_206933.4 (MANE Select); coding-DNA position 458, G replaced by A.
Protein change: p.Trp153Ter; replaces tryptophan 153 with a stop codon.
Molecular consequence: nonsense.
Genome position (GRCh38, 1-based): chr1:216,421,879, C>T on the plus strand (G>A on the coding strand, the complement: USH2A is on the minus strand). VCF-style: chr1-216421879-C-T. GRCh37 (hg19) VCF-style: chr1-216595221-C-T.
Other names: c.458G>A, p.Trp153Ter (NM_007123.6); short protein forms W153*.
Identifiers: ClinVar variation 5004260 (VCV005004260.1).
Genomic context (GRCh38, chr1:216,421,879, plus strand): 5'-CCTATGAAAGCTTATACCTACACTACTACTTACATTACACCTTGTTGCTCAGGTTTCAGC[C>T]ATACAGCTAAGGTAAATGATGCCATCAGCTTTGGAGAAGGAGGAGAAGAAAAGCAGCTCT-3'

ClinVar aggregate classification (germline): Pathogenic (1 of 4 stars; one submission).

Conditions:
USH2A-related disorder. Also called: USH2A-related condition; USH2A-related disorders. Identifiers: MedGen CN239332.

Submission:

Myriad Genetics, Inc.
Classification: Pathogenic for USH2A-related disorder. Last evaluated: 2025-10-28. Review status: criteria provided, single submitter. Criteria: Myriad Autosomal Dominant, Autosomal Recessive and X-Linked Classification Criteria (2023). Collection method: clinical testing. Allele origin: unknown.
Comment: NM_206933.2(USH2A):c.458G>A(W153*) is a nonsense variant classified as pathogenic in the context of USH2A-related disorders. W153* has not been observed in cases with relevant disease. Relevant functional assessments of this variant are not available in the literature. W153* has not been observed in referenced population frequency databases. In summary, NM_206933.2(USH2A):c.458G>A(W153*) is a nonsense variant in a gene where loss of function is a known mechanism of disease and is predicted to disrupt protein function. Please note: this variant was assessed in the context of healthy population screening.